The following is an entry in ClinVar:

NM_000051.4(ATM):c.1608-15T>C

Gene: ATM (ATM serine/threonine kinase; plus strand). Cytogenetic location: 11q22.3.
Variant type: single nucleotide variant.
Coding change: c.1608-15T>C on transcript NM_000051.4 (MANE Select); 15 bases into the intron before coding-DNA position 1608, T replaced by C.
Molecular consequence: intron variant.
Genome position (GRCh38, 1-based): chr11:108,251,822, T>C. VCF-style: chr11-108251822-T-C. GRCh37 (hg19) VCF-style: chr11-108122549-T-C.
Other names: c.1608-15T>C (NM_001351834.2).
Identifiers: ClinVar variation 3253857 (VCV003253857.1), dbSNP rs2497265778.

ClinVar aggregate classification (germline): Likely benign (1 of 4 stars; one submission).

Conditions:
Familial cancer of breast. Also called: BREAST CANCER, FAMILIAL; Hereditary breast cancer; hereditary breast carcinoma. Identifiers: Orphanet 227535, MedGen C0346153, MONDO:0016419, OMIM 114480. Disease mechanism: loss of function.

Submission:

Myriad Genetics, Inc.
Classification: Likely benign for Familial cancer of breast. Last evaluated: 2024-04-30. Review status: criteria provided, single submitter. Criteria: Myriad Autosomal Dominant, Autosomal Recessive and X-Linked Classification Criteria (2023). Collection method: clinical testing. Allele origin: unknown.
Comment: This variant is considered likely benign. This variant is intronic and is not expected to impact mRNA splicing.